The following is an entry in ClinVar:

NM_172250.3(MMAA):c.*434C>T

Gene: MMAA (metabolism of cobalamin associated A; plus strand). Cytogenetic location: 4q31.21.
Variant type: single nucleotide variant.
Coding change: c.*434C>T on transcript NM_172250.3 (MANE Select); 434 bases downstream of the stop codon, C replaced by T.
Molecular consequence: 3 prime UTR variant.
Genome position (GRCh38, 1-based): chr4:145,655,868, C>T. VCF-style: chr4-145655868-C-T. GRCh37 (hg19) VCF-style: chr4-146577020-C-T.
Identifiers: ClinVar variation 347617 (VCV000347617.6), dbSNP rs72950841, ClinGen allele CA10620102.

ClinVar aggregate classification (germline): Benign. Review status: criteria provided, multiple submitters, no conflicts (2 of 4 stars). 2 submissions from 2 submitters: Benign (2). Last evaluated 2018-01-13.

Conditions:
Methylmalonic aciduria, cblA type (MACA). Also called: Methylmalonic aciduria, vitamin b12-responsive, due to defect in synthesis of adenosylcobalamin, cbla complementation type; MMA cbl A type; Methylmalonic acidemia cblA type; Methylmalonic aciduria, vitamin B12-responsive; Vitamin B12-responsive methylmalonic acidemia type cblA. Identifiers: Orphanet 28, Orphanet 79310, MedGen C1855109, MONDO:0009613, OMIM 251100.

Allele frequency attached by ClinVar (database versions not stated): gnomAD exomes 0.00235; gnomAD 0.01386 and 0.01492; TOPMed 0.01593; 1000 Genomes Project 0.01677; 1000 Genomes Project 30x 0.01796.
gnomAD v4.1: 2,091 of 153,912 alleles (1.4%); highest among the groups gnomAD compares: African/African-American, 4.8%; 46 homozygotes.

Submissions (2):

Illumina Laboratory Services, Illumina
Classification: Benign for Methylmalonic aciduria, cblA type. Last evaluated: 2018-01-13. Review status: criteria provided, single submitter. Criteria: ICSL Variant Classification Criteria 13 December 2019. Collection method: clinical testing. Allele origin: germline.
Comment: This variant was observed in the ICSL laboratory as part of a predisposition screen in an ostensibly healthy population. It had not been previously curated by ICSL or reported in the Human Gene Mutation Database (HGMD: prior to June 1st, 2018), and was therefore a candidate for classification through an automated scoring system. Utilizing variant allele frequency, disease prevalence and penetrance estimates, and inheritance mode, an automated score was calculated to assess if this variant is too frequent to cause the disease. Based on the score and internal cut-off values, a variant classified as benign is not then subjected to further curation. The score for this variant resulted in a classification of benign for this disease.

Breakthrough Genomics
Classification: Benign. Review status: criteria provided, single submitter. Criteria: ACMG Guidelines, 2015. Collection method: not provided. Allele origin: germline. Inheritance: Autosomal recessive inheritance. Affected: yes.